The following is an entry in ClinVar:

NM_006922.4(SCN3A):c.2833A>G (p.Ile945Val)

Gene: SCN3A (sodium voltage-gated channel alpha subunit 3; minus strand). Cytogenetic location: 2q24.3.
Variant type: single nucleotide variant.
Coding change: c.2833A>G on transcript NM_006922.4 (MANE Select); coding-DNA position 2833, A replaced by G.
Protein change: p.Ile945Val; replaces isoleucine 945 with valine.
Molecular consequence: missense variant.
Genome position (GRCh38, 1-based): chr2:165,130,029, T>C on the plus strand (A>G on the coding strand, the complement: SCN3A is on the minus strand). VCF-style: chr2-165130029-T-C. GRCh37 (hg19) VCF-style: chr2-165986539-T-C.
Other names: c.2686A>G, p.Ile896Val (NM_001081676.2, NM_001081677.2); short protein forms I896V, I945V.
Identifiers: ClinVar variation 3360506 (VCV003360506.1).

ClinVar aggregate classification (germline): Uncertain significance (1 of 4 stars; one submission).

Submission:

GeneDx
Classification: Uncertain significance. Last evaluated: 2023-06-30. Review status: criteria provided, single submitter. Criteria: GeneDx Variant Classification Process June 2021. Collection method: clinical testing. Allele origin: germline. Affected: yes.
Comment: Not observed at significant frequency in large population cohorts (gnomAD); In silico analysis supports that this missense variant does not alter protein structure/function; Has not been previously published as pathogenic or benign to our knowledge